The following is an entry in ClinVar:

NM_000368.5(TSC1):c.3283_3284delinsAG (p.Leu1095Arg)

Gene: TSC1 (TSC complex subunit 1; minus strand). Cytogenetic location: 9q34.13.
Variant type: Indel.
Coding change: c.3283_3284delinsAG on transcript NM_000368.5 (MANE Select); coding-DNA positions 3283 to 3284, TT replaced by AG.
Protein change: p.Leu1095Arg; replaces leucine 1095 with arginine.
Molecular consequence: missense variant.
Genome position (GRCh38, 1-based): chr9:132,896,446-132,896,447, AA replaced by CT on the plus strand (TT replaced by AG on the coding strand, the reverse complement: TSC1 is on the minus strand). VCF-style: chr9-132896446-AA-CT. GRCh37 (hg19) VCF-style: chr9-135771833-AA-CT.
Other names: c.3241_3242delTTinsAG, p.Leu1081Arg (NM_001406607.1, NM_001406605.1, NM_001406606.1); c.3238_3239delTTinsAG, p.Leu1080Arg (NM_001406608.1, NM_001406609.1); c.3130_3131delTTinsAG, p.Leu1044Arg (NM_001406610.1); c.3127_3128delTTinsAG, p.Leu1043Arg (NM_001406611.1, NM_001406612.1); c.3085_3086delTTinsAG, p.Leu1029Arg (NM_001406613.1); c.2920_2921delTTinsAG, p.Leu974Arg (NM_001406614.1, NM_001406615.1, NM_001406616.1 and 3 more transcripts); c.2917_2918delTTinsAG, p.Leu973Arg (NM_001406620.1, NM_001406621.1, NM_001406622.1 and 1 more transcripts); c.2878_2879delTTinsAG, p.Leu960Arg (NM_001406624.1); and 11 more; short protein forms L1043R, L1081R, L1090R, L1094R, L1095R, L778R, L960R, L973R.
Identifiers: ClinVar variation 2040104 (VCV002040104.4), dbSNP rs2538436113, ClinGen allele CA2580079906.
Genomic context (GRCh38, chr9:132,896,446, plus strand): 5'-TCAGAAAGGCTACTGGTCATGCCGTCCTCATCACACTGGCTCTCGCTCTTATTACGAAAT[AA>CT]CTCTCGAGCCTTCATACCCAGGAAGCTTTTTGAACTGGGAAGTGAGCCCACAGTGGTGGG-3'
Protein context (NP_000359.1, residues 1085-1105): KSFLGMKARE[Leu1095Arg]FRNKSESQCD

ClinVar aggregate classification (germline): Uncertain significance (1 of 4 stars; one submission).

Conditions:
Tuberous sclerosis 1 (TSC1). Identifiers: Orphanet 805, MedGen C1854465, MONDO:0008612, OMIM 191100.

Submission:

Labcorp Genetics (formerly Invitae), Labcorp
Classification: Uncertain significance for Tuberous sclerosis 1. Last evaluated: 2021-12-12. Review status: criteria provided, single submitter. Criteria: Invitae Variant Classification Sherloc (09022015). Collection method: clinical testing. Allele origin: germline.
Comment: This sequence change replaces leucine, which is neutral and non-polar, with arginine, which is basic and polar, at codon 1095 of the TSC1 protein (p.Leu1095Arg). Information on the frequency of this variant in the gnomAD database is not available, as this variant may be reported differently in the database. This variant has not been reported in the literature in individuals affected with TSC1-related conditions. Algorithms developed to predict the effect of missense changes on protein structure and function are either unavailable or do not agree on the potential impact of this missense change (SIFT: "Not Available"; PolyPhen-2: "Probably Damaging"; Align-GVGD: "Not Available"). In summary, the available evidence is currently insufficient to determine the role of this variant in disease. Therefore, it has been classified as a Variant of Uncertain Significance.